The following is an entry in ClinVar:

ClinVar aggregate classification (germline): Likely benign. Review status: criteria provided, multiple submitters, no conflicts (2 of 4 stars). 3 submissions from 3 submitters: Likely benign (2). 1 of the submissions does not count toward it. Last evaluated 2024-11-15.

Conditions:
RSPH4A-related disorder. Also called: RSPH4A-related condition.
Primary ciliary dyskinesia. Also called: Ciliary dyskinesia. Identifiers: Orphanet 244, MedGen C0008780, MONDO:0016575, HP:0012265.

Allele frequency attached by ClinVar (database versions not stated): ESP Exome Variant Server 0.00008.
gnomAD v4.1: 52 of 1,612,776 alleles (0.0032%); highest among the groups gnomAD compares: African/African-American, 0.045%; no homozygotes.

Submissions (3):

Labcorp Genetics (formerly Invitae), Labcorp
Classification: Likely benign for Primary ciliary dyskinesia. Last evaluated: 2024-11-15. Review status: criteria provided, single submitter. Criteria: Invitae Variant Classification Sherloc (09022015). Collection method: clinical testing. Allele origin: germline.

Ambry Genetics
Classification: Likely benign for Primary ciliary dyskinesia. Last evaluated: 2024-04-21. Review status: criteria provided, single submitter. Criteria: Ambry Variant Classification Scheme 2023. Collection method: clinical testing. Allele origin: germline.

PreventionGenetics, part of Exact Sciences
Classification: Likely benign for RSPH4A-related condition. Last evaluated: 2019-07-01. Review status: no assertion criteria provided. Collection method: clinical testing. Allele origin: germline. Not counted in ClinVar's aggregate classification.
Comment: This variant is classified as likely benign based on ACMG/AMP sequence variant interpretation guidelines (Richards et al. 2015 PMID: 25741868, with internal and published modifications).

NM_001010892.3(RSPH4A):c.1641T>C (p.His547=)

Gene: RSPH4A (radial spoke head component 4A; plus strand). Cytogenetic location: 6q22.1.
Variant type: single nucleotide variant.
Coding change: c.1641T>C on transcript NM_001010892.3 (MANE Select); coding-DNA position 1641, T replaced by C.
Protein change: p.His547=; no amino-acid change (histidine 547 retained).
Molecular consequence: synonymous variant.
Genome position (GRCh38, 1-based): chr6:116,628,348, T>C. VCF-style: chr6-116628348-T-C. GRCh37 (hg19) VCF-style: chr6-116949511-T-C.
Other names: c.1641T>C (NM_001010892.2); c.1641T>C, p.His547= (NM_001161664.2).
Identifiers: ClinVar variation 2752159 (VCV002752159.6), dbSNP rs201238941, ClinGen allele CA3970987.
Genomic context (GRCh38, chr6:116,628,348, plus strand): 5'-TGATTTTGAAGGCATCCAAGTGATTGATCTAGTAGAATCCCTATCCAATTGGGTTCATCA[T>C]GTACAGCATATTCTCTCTCAGGTAGGAGCTTTGCACTTCTCAATCTATCAGGTAATTAGG-3'
Protein context (NP_001010892.1, residues 537-557): LVESLSNWVH[His547=]VQHILSQGRC